The following is an entry in ClinVar:

ClinVar aggregate classification (germline): Conflicting classifications of pathogenicity. Review status: criteria provided, conflicting classifications (1 of 4 stars). 9 submissions from 9 submitters: Uncertain significance (1); Benign (3); Likely benign (5). Last evaluated 2026-05-28.

Conditions:
Hereditary cancer-predisposing syndrome. Also called: Neoplastic Syndromes, Hereditary; Hereditary Cancer Syndrome; Tumor predisposition; Hereditary neoplastic syndrome. Identifiers: Orphanet 140162, MedGen C0027672, MeSH D009386, MONDO:0015356.
Melanoma-pancreatic cancer syndrome. Identifiers: Orphanet 404560, MedGen C1838547, MONDO:0011713, OMIM 606719. Disease mechanism: loss of function.
Familial melanoma. Also called: Hereditary melanoma; Hereditary cutaneous melanoma. Identifiers: Orphanet 618, MedGen C1512419, MONDO:0018961.

Allele frequency attached by ClinVar (database versions not stated): ExAC 0.00001; gnomAD exomes 0.00001 and 0.00002; gnomAD 0.00002; TOPMed 0.00003.
gnomAD v4.1: 18 of 1,613,812 alleles (0.0011%); highest among the groups gnomAD compares: Non-Finnish European, 0.00034%; no homozygotes.

Submissions (9):

Women's Health and Genetics/Laboratory Corporation of America, LabCorp
Classification: Uncertain significance. Last evaluated: 2026-05-28. Review status: criteria provided, single submitter. Criteria: LabCorp Variant Classification Summary - May 2015. Collection method: clinical testing. Allele origin: germline.
Comment: Variant summary: CDKN2A c.459C>T (p.Asp153Asp) alters a nucleotide located close to a canonical splice site and therefore could affect mRNA splicing, leading to a significantly altered protein sequence. Consensus agreement among computation tools predict no significant impact on normal splicing. However, these predictions have yet to be confirmed by functional studies. The variant allele was found at a frequency of 2e-05 in 251192 control chromosomes. The available data on variant occurrences in the general population are insufficient to allow any conclusion about variant significance. To our knowledge, no occurrence of c.459C>T in individuals affected with CDKN2A-related conditions and no experimental evidence demonstrating its impact on protein function have been reported. ClinVar contains an entry for this variant (Variation ID: 236990). Based on the evidence outlined above, the variant was classified as uncertain significance.

Labcorp Genetics (formerly Invitae), Labcorp
Classification: Likely benign for Familial melanoma. Last evaluated: 2026-01-20. Review status: criteria provided, single submitter. Criteria: Invitae Variant Classification Sherloc (09022015). Collection method: clinical testing. Allele origin: germline.

Myriad Genetics, Inc.
Classification: Benign for Melanoma-pancreatic cancer syndrome. Last evaluated: 2025-08-19. Review status: criteria provided, single submitter. Criteria: Myriad Autosomal Dominant, Autosomal Recessive and X-Linked Classification Criteria (2023). Collection method: clinical testing. Allele origin: unknown.
Comment: This variant is considered benign. This variant is a silent/synonymous amino acid change and it is not expected to impact splicing.

Blueprint Genetics
Classification: Likely benign. Last evaluated: 2024-08-05. Review status: criteria provided, single submitter. Criteria: ACMG Guidelines, 2015. Collection method: clinical testing. Allele origin: germline.

Quest Diagnostics Nichols Institute San Juan Capistrano
Classification: Benign. Last evaluated: 2022-11-15. Review status: criteria provided, single submitter. Criteria: Quest Diagnostics criteria. Collection method: clinical testing. Allele origin: unknown.

Sema4
Classification: Likely benign for Hereditary cancer-predisposing syndrome. Last evaluated: 2021-02-23. Review status: criteria provided, single submitter. Criteria: Sema4 Curation Guidelines. Collection method: curation. Allele origin: germline.

Color Diagnostics, LLC DBA Color Health
Classification: Likely benign for Hereditary cancer-predisposing syndrome. Last evaluated: 2016-05-31. Review status: criteria provided, single submitter. Criteria: ACMG Guidelines, 2015. Collection method: clinical testing. Allele origin: germline.

GeneDx
Classification: Benign. Last evaluated: 2015-03-03. Review status: criteria provided, single submitter. Criteria: GeneDx Variant Classification Process June 2021. Collection method: clinical testing. Allele origin: germline. Affected: yes.

Ambry Genetics
Classification: Likely benign for Hereditary cancer-predisposing syndrome. Last evaluated: 2014-08-13. Review status: criteria provided, single submitter. Criteria: Ambry Variant Classification Scheme 2023. Collection method: clinical testing. Allele origin: germline.

Literature cited by the submitters: PubMed 27756164 (cited by Women's Health and Genetics/Laboratory Corporation of America, LabCorp); PubMed 27960642 (cited by Women's Health and Genetics/Laboratory Corporation of America, LabCorp); PubMed 28765326 (cited by Women's Health and Genetics/Laboratory Corporation of America, LabCorp); PubMed 9166859 (cited by Women's Health and Genetics/Laboratory Corporation of America, LabCorp); PubMed 16818274 (cited by Women's Health and Genetics/Laboratory Corporation of America, LabCorp); PubMed 18519632 (cited by Women's Health and Genetics/Laboratory Corporation of America, LabCorp); PubMed 7718873 (cited by Women's Health and Genetics/Laboratory Corporation of America, LabCorp).

NM_000077.5(CDKN2A):c.459C>T (p.Asp153=)

Gene: CDKN2A (cyclin dependent kinase inhibitor 2A; minus strand). Cytogenetic location: 9p21.3.
Variant type: single nucleotide variant.
Coding change: c.459C>T on transcript NM_000077.5; coding-DNA position 459, C replaced by T.
Protein change: p.Asp153=; no amino-acid change (aspartic acid 153 retained).
Molecular consequence: synonymous variant (on NM_000077.6). On other transcripts: 3 prime UTR variant (3).
Genome position (GRCh38, 1-based): chr9:21,968,241, G>A on the plus strand (C>T on the coding strand, the complement: CDKN2A is on the minus strand). VCF-style: chr9-21968241-G-A. GRCh37 (hg19) VCF-style: chr9-21968240-G-A.
Other names: c.459C>T, p.Asp153= (NM_000077.6); c.*152C>T (NM_001195132.2); c.306C>T, p.Asp102= (NM_001363763.2); c.*103C>T (NM_058195.4); c.*382C>T (NM_058197.5).
Identifiers: ClinVar variation 236990 (VCV000236990.23), dbSNP rs778871932, ClinGen allele CA5012128.